The following is an entry in ClinVar:

ClinVar aggregate classification (germline): Uncertain significance. Review status: criteria provided, multiple submitters, no conflicts (2 of 4 stars). 2 submissions from 2 submitters: Uncertain significance (2). Last evaluated 2026-07-02.

Conditions:
Hereditary cancer-predisposing syndrome. Also called: Hereditary Cancer Syndrome; Hereditary neoplastic syndrome; Neoplastic Syndromes, Hereditary; Tumor predisposition. Identifiers: Orphanet 140162, MedGen C0027672, MeSH D009386, MONDO:0015356.
Hereditary breast ovarian cancer syndrome. Also called: Hereditary breast and ovarian cancer syndrome; Hereditary breast and/or ovarian cancer syndrome; Hereditary breast and ovarian cancer syndrome (HBOC); BRCA1- and BRCA2-Associated Hereditary Breast and Ovarian Cancer; Hereditary breast and ovarian cancer; Breast and ovarian cancer. Identifiers: Orphanet 145, MedGen C0677776, MeSH D061325, MONDO:0003582. Disease mechanism: loss of function.

Allele frequency attached by ClinVar (database versions not stated): gnomAD exomes below 0.00001.
gnomAD v4.1: 1 of 1,613,864 alleles (0.000062%); highest among the groups gnomAD compares: African/African-American, 0.0013%; no homozygotes.

Submissions (2):

Ambry Genetics
Classification: Uncertain significance for Hereditary cancer-predisposing syndrome. Last evaluated: 2026-07-02. Review status: criteria provided, single submitter. Criteria: Ambry Variant Classification Scheme 2023. Collection method: clinical testing. Allele origin: germline.
Comment: The p.F1130L variant (also known as c.3390T>G), located in coding exon 10 of the BRCA2 gene, results from a T to G substitution at nucleotide position 3390. The phenylalanine at codon 1130 is replaced by leucine, an amino acid with highly similar properties. This amino acid position is conserved. In addition, this alteration is predicted to be tolerated by in silico analysis. Based on the available evidence, the clinical significance of this variant remains unclear.

Labcorp Genetics (formerly Invitae), Labcorp
Classification: Uncertain significance for Hereditary breast ovarian cancer syndrome. Last evaluated: 2022-11-14. Review status: criteria provided, single submitter. Criteria: Invitae Variant Classification Sherloc (09022015). Collection method: clinical testing. Allele origin: germline.
Comment: In summary, the available evidence is currently insufficient to determine the role of this variant in disease. Therefore, it has been classified as a Variant of Uncertain Significance. Advanced modeling of protein sequence and biophysical properties (such as structural, functional, and spatial information, amino acid conservation, physicochemical variation, residue mobility, and thermodynamic stability) performed at Invitae indicates that this missense variant is not expected to disrupt BRCA2 protein function. This sequence change replaces phenylalanine, which is neutral and non-polar, with leucine, which is neutral and non-polar, at codon 1130 of the BRCA2 protein (p.Phe1130Leu). This variant is not present in population databases (gnomAD no frequency). This variant has not been reported in the literature in individuals affected with BRCA2-related conditions.

NM_000059.4(BRCA2):c.3390T>G (p.Phe1130Leu)

Gene: BRCA2 (BRCA2 DNA repair associated; plus strand). Cytogenetic location: 13q13.1.
Variant type: single nucleotide variant.
Coding change: c.3390T>G on transcript NM_000059.4 (MANE Select); coding-DNA position 3390, T replaced by G.
Protein change: p.Phe1130Leu; replaces phenylalanine 1130 with leucine.
Molecular consequence: missense variant. On other transcripts: non-coding transcript variant (1), intron variant (2).
Genome position (GRCh38, 1-based): chr13:32,337,745, T>G. VCF-style: chr13-32337745-T-G. GRCh37 (hg19) VCF-style: chr13-32911882-T-G.
Other names: c.3390T>G, p.Phe1130Leu (NM_001406719.1, NM_001406720.1); c.1909+4358T>G (NM_001406721.1); c.424+6715T>G (NM_001406722.1); short protein forms F1130L.
Identifiers: ClinVar variation 2867894 (VCV002867894.4), dbSNP rs2072479124, ClinGen allele CA387776449.
Genomic context (GRCh38, chr13:32,337,745, plus strand): 5'-AATTACAGAACTTTCTACTATATTAGAAGAATCAGGAAGTCAGTTTGAATTTACTCAGTT[T>G]AGAAAACCAAGCTACATATTGCAGAAGAGTACATTTGAAGTGCCTGAAAACCAGATGACT-3'
Protein context (NP_000050.3, residues 1120-1140): ESGSQFEFTQ[Phe1130Leu]RKPSYILQKS